The following is an entry in ClinVar:

NM_007272.3(CTRC):c.494-13A>G

Gene: CTRC (chymotrypsin C; plus strand). Cytogenetic location: 1p36.21.
Variant type: single nucleotide variant.
Coding change: c.494-13A>G on transcript NM_007272.3 (MANE Select); 13 bases into the intron before coding-DNA position 494, A replaced by G.
Molecular consequence: intron variant.
Genome position (GRCh38, 1-based): chr1:15,444,593, A>G. VCF-style: chr1-15444593-A-G. GRCh37 (hg19) VCF-style: chr1-15771088-A-G.
Identifiers: ClinVar variation 292910 (VCV000292910.19), dbSNP rs762842599, ClinGen allele CA613362.
Genomic context (GRCh38, chr1:15,444,593, plus strand): 5'-CCCTGAAGGCCTGGGGAGGGGCTGGACTGGGCTTCCCGGCTGCCTCCCTGGTCACTGCTC[A>G]CTCTCTCCCCAGCCAACGGCCCCATTGCTGATAAGCTGCAGCAGGGCCTGCAGCCCGTGG-3'

ClinVar aggregate classification (germline): Benign/Likely benign. Review status: criteria provided, multiple submitters, no conflicts (2 of 4 stars). 3 submissions from 3 submitters: Benign (1); Likely benign (2). Last evaluated 2024-02-24.

Conditions:
Hereditary pancreatitis (PCTT). Also called: Hereditary chronic pancreatitis; PRSS1-Related Hereditary Pancreatitis. Identifiers: Orphanet 676, MedGen C0238339, MONDO:0008185, OMIM 167800.

Allele frequency attached by ClinVar (database versions not stated): gnomAD 0.00002; TOPMed 0.00003; gnomAD exomes 0.00006 and 0.00008; ExAC 0.00007.
gnomAD v4.1: 91 of 1,612,972 alleles (0.0056%); highest among the groups gnomAD compares: Admixed American, 0.02%; no homozygotes.

Submissions (3):

Labcorp Genetics (formerly Invitae), Labcorp
Classification: Likely benign for Hereditary pancreatitis. Last evaluated: 2024-02-24. Review status: criteria provided, single submitter. Criteria: Invitae Variant Classification Sherloc (09022015). Collection method: clinical testing. Allele origin: germline.

ARUP Laboratories, Molecular Genetics and Genomics, ARUP Laboratories
Classification: Likely benign for Hereditary pancreatitis. Last evaluated: 2020-03-28. Review status: criteria provided, single submitter. Criteria: ARUP Molecular Germline Variant Investigation Process. Collection method: clinical testing. Allele origin: germline.

Illumina Laboratory Services, Illumina
Classification: Benign for Hereditary pancreatitis. Last evaluated: 2018-01-13. Review status: criteria provided, single submitter. Criteria: ICSL Variant Classification Criteria 13 December 2019. Collection method: clinical testing. Allele origin: germline.
Comment: This variant was observed in the ICSL laboratory as part of a predisposition screen in an ostensibly healthy population. It had not been previously curated by ICSL or reported in the Human Gene Mutation Database (HGMD: prior to June 1st, 2018), and was therefore a candidate for classification through an automated scoring system. Utilizing variant allele frequency, disease prevalence and penetrance estimates, and inheritance mode, an automated score was calculated to assess if this variant is too frequent to cause the disease. Based on the score and internal cut-off values, a variant classified as benign is not then subjected to further curation. The score for this variant resulted in a classification of benign for this disease.